The following is an entry in ClinVar:

ClinVar aggregate classification (germline): Uncertain significance (1 of 4 stars; one submission).

Submission:

Labcorp Genetics (formerly Invitae), Labcorp
Classification: Uncertain significance. Last evaluated: 2025-10-19. Review status: criteria provided, single submitter. Criteria: Invitae Variant Classification Sherloc (09022015). Collection method: clinical testing. Allele origin: germline.
Comment: This sequence change replaces cysteine, which is neutral and slightly polar, with serine, which is neutral and polar, at codon 386 of the NAF1 protein (p.Cys386Ser). This variant is not present in population databases (gnomAD no frequency). This variant has not been reported in the literature in individuals affected with NAF1-related conditions. An algorithm developed to predict the effect of missense changes on protein structure and function outputs the following: PolyPhen-2: "Benign". The serine amino acid residue is found in multiple mammalian species, which suggests that this missense change does not adversely affect protein function. In summary, the available evidence is currently insufficient to determine the role of this variant in disease. Therefore, it has been classified as a Variant of Uncertain Significance.

NM_138386.3(NAF1):c.1156T>A (p.Cys386Ser)

Gene: NAF1 (nuclear assembly factor 1 ribonucleoprotein; minus strand). Cytogenetic location: 4q32.2.
Variant type: single nucleotide variant.
Coding change: c.1156T>A on transcript NM_138386.3 (MANE Select); coding-DNA position 1156, T replaced by A.
Protein change: p.Cys386Ser; replaces cysteine 386 with serine.
Molecular consequence: missense variant. On other transcripts: intron variant (1).
Genome position (GRCh38, 1-based): chr4:163,129,226, A>T on the plus strand (T>A on the coding strand, the complement: NAF1 is on the minus strand). VCF-style: chr4-163129226-A-T. GRCh37 (hg19) VCF-style: chr4-164050378-A-T.
Other names: c.1034-2111T>A (NM_001128931.2); short protein forms C386S.
Identifiers: ClinVar variation 4728562 (VCV004728562.1).